The following is an entry in ClinVar:

NM_030665.4(RAI1):c.5167G>A (p.Val1723Met)

Gene: RAI1 (retinoic acid induced 1; plus strand). Cytogenetic location: 17p11.2.
Variant type: single nucleotide variant.
Coding change: c.5167G>A on transcript NM_030665.4 (MANE Select); coding-DNA position 5167, G replaced by A.
Protein change: p.Val1723Met; replaces valine 1723 with methionine.
Molecular consequence: missense variant.
Genome position (GRCh38, 1-based): chr17:17,798,115, G>A. VCF-style: chr17-17798115-G-A. GRCh37 (hg19) VCF-style: chr17-17701429-G-A.
Other names: short protein forms V1723M.
Identifiers: ClinVar variation 4628809 (VCV004628809.1).
Genomic context (GRCh38, chr17:17,798,115, plus strand): 5'-TGTGGGCCCTACTACCCTGAACACTGCCTCCCCAAAAAGAAGCCAAAACTCAAGGAGAAG[G>A]TGCGGCCAGAAGGCACCTGTGAGGAGGCCTCGCTGCCGCTTGAGAGAACACTCAAAGGTC-3'
Protein context (NP_109590.3, residues 1713-1733): PKKKPKLKEK[Val1723Met]RPEGTCEEAS

ClinVar aggregate classification (germline): Uncertain significance (1 of 4 stars; one submission).

Conditions:
Inborn genetic diseases. Identifiers: MedGen C0950123, MeSH D030342.

gnomAD v4.1: 3 of 1,613,882 alleles (0.00019%); highest among the groups gnomAD compares: Non-Finnish European, 0.00025%; no homozygotes.

Submission:

Ambry Genetics
Classification: Uncertain significance for Inborn genetic diseases. Last evaluated: 2025-12-09. Review status: criteria provided, single submitter. Criteria: Ambry Variant Classification Scheme 2023. Collection method: clinical testing. Allele origin: germline.
Comment: The c.5167G>A (p.V1723M) alteration is located in exon 3 (coding exon 1) of the RAI1 gene. This alteration results from a G to A substitution at nucleotide position 5167, causing the valine (V) at amino acid position 1723 to be replaced by a methionine (M). Based on data from gnomAD, the A allele has an overall frequency of <0.001% (1/250986) total alleles studied. The highest observed frequency was 0.001% (1/113294) of European (non-Finnish) alleles. Based on insufficient or conflicting evidence, the clinical significance of this alteration remains unclear.